The following is an entry in ClinVar:

ClinVar aggregate classification (germline): Uncertain significance. Review status: criteria provided, multiple submitters, no conflicts (2 of 4 stars). 5 submissions from 5 submitters: Uncertain significance (5). Last evaluated 2024-04-23.

Conditions:
Hereditary cancer-predisposing syndrome. Also called: Hereditary neoplastic syndrome; Tumor predisposition; Neoplastic Syndromes, Hereditary; Hereditary Cancer Syndrome. Identifiers: Orphanet 140162, MedGen C0027672, MeSH D009386, MONDO:0015356.
Familial cancer of breast. Also called: Hereditary breast cancer; BREAST CANCER, FAMILIAL; hereditary breast carcinoma. Identifiers: Orphanet 227535, MedGen C0346153, MONDO:0016419, OMIM 114480. Disease mechanism: loss of function.
Hereditary breast ovarian cancer syndrome. Also called: Hereditary breast and ovarian cancer; Hereditary breast and/or ovarian cancer syndrome; Hereditary breast and ovarian cancer syndrome; Hereditary breast and ovarian cancer syndrome (HBOC); Breast and ovarian cancer; BRCA1- and BRCA2-Associated Hereditary Breast and Ovarian Cancer. Identifiers: Orphanet 145, MedGen C0677776, MeSH D061325, MONDO:0003582. Disease mechanism: loss of function.

Allele frequency attached by ClinVar (database versions not stated): gnomAD exomes below 0.00001.
gnomAD v4.1: 1 of 1,613,902 alleles (0.000062%); highest among the groups gnomAD compares: Admixed American, 0.0017%; no homozygotes.

Submissions (5):

Ambry Genetics
Classification: Uncertain significance for Hereditary cancer-predisposing syndrome. Last evaluated: 2024-04-23. Review status: criteria provided, single submitter. Criteria: Ambry Variant Classification Scheme 2023. Collection method: clinical testing. Allele origin: germline.
Comment: The p.H2361R variant (also known as c.7082A>G), located in coding exon 13 of the BRCA2 gene, results from an A to G substitution at nucleotide position 7082. The histidine at codon 2361 is replaced by arginine, an amino acid with highly similar properties. In one study, this variant was observed in 1/1525 unrelated patients who had BRCA1/2 genetic testing due to a personal and/or family history suspicious for Hereditary Breast and/or Ovarian Cancer (Caux-Moncoutier V et al. Hum. Mutat., 2011 Mar;32:325-34). This amino acid position is not well conserved in available vertebrate species. In addition, the in silico prediction for this alteration is tolerated. Based on the available evidence, the clinical significance of this variant remains unclear.

Labcorp Genetics (formerly Invitae), Labcorp
Classification: Uncertain significance for Hereditary breast ovarian cancer syndrome. Last evaluated: 2024-04-13. Review status: criteria provided, single submitter. Criteria: Invitae Variant Classification Sherloc (09022015). Collection method: clinical testing. Allele origin: germline.
Comment: This sequence change replaces histidine, which is basic and polar, with arginine, which is basic and polar, at codon 2361 of the BRCA2 protein (p.His2361Arg). This variant is not present in population databases (gnomAD no frequency). This missense change has been observed in individual(s) with a personal and/or family history of breast and/or ovarian cancer (PMID: 21120943). ClinVar contains an entry for this variant (Variation ID: 418574). Advanced modeling of protein sequence and biophysical properties (such as structural, functional, and spatial information, amino acid conservation, physicochemical variation, residue mobility, and thermodynamic stability) performed at Invitae indicates that this missense variant is not expected to disrupt BRCA2 protein function with a negative predictive value of 95%. In summary, the available evidence is currently insufficient to determine the role of this variant in disease. Therefore, it has been classified as a Variant of Uncertain Significance.

Baylor Genetics
Classification: Uncertain significance for Familial cancer of breast. Last evaluated: 2023-08-01. Review status: criteria provided, single submitter. Criteria: ACMG Guidelines, 2015. Collection method: clinical testing. Allele origin: unknown.

Sema4
Classification: Uncertain significance for Hereditary cancer-predisposing syndrome. Last evaluated: 2021-09-16. Review status: criteria provided, single submitter. Criteria: Sema4 Curation Guidelines. Collection method: curation. Allele origin: germline.
Comment: The BRCA2 c.7082A>G (p.H2361R) variant has been reported in at least one individual with a personal and/or family history of breast or ovarian cancer (PMID: 21120943). It was not observed in the large and broad cohorts of the Genome Aggregation Database. The variant has been reported in ClinVar (Variation ID: 418574). Functional studies have not been performed, and in silico predictions of the variant's effect on protein function are inconclusive. The evidence is insufficient to meet ACMG/AMP criteria for classifying the variant as benign or pathogenic. Thus, the clinical significance of this variant is currently uncertain.

GeneDx
Classification: Uncertain significance. Last evaluated: 2018-06-26. Review status: criteria provided, single submitter. Criteria: GeneDx Variant Classification (06012015). Collection method: clinical testing. Allele origin: germline. Affected: yes.
Comment: This variant is denoted BRCA2 c.7082A>G at the cDNA level, p.His2361Arg (H2361R) at the protein level, and results in the change of a Histidine to an Arginine (CAT>CGT). Using alternate nomenclature, this variant would be defined as BRCA2 7310A>G. This variant was reported in at least one individual with a personal and family history of breast cancer (Caux-Moncoutier 2011). BRCA2 His2361Arg was not observed in large population cohorts (Lek 2016). This variant is located in the FANCD2 binding domain (UniProt). In silico analysis, which includes protein predictors and evolutionary conservation, supports that this variant does not alter protein structure/function. Based on currently available information, it is unclear whether BRCA2 His2361Arg is pathogenic or benign. We consider it to be a variant of uncertain significance.

Literature cited by the submitters: PubMed 21120943 (cited by 3 submitters).

NM_000059.4(BRCA2):c.7082A>G (p.His2361Arg)

Gene: BRCA2 (BRCA2 DNA repair associated; plus strand). Cytogenetic location: 13q13.1.
Variant type: single nucleotide variant.
Coding change: c.7082A>G on transcript NM_000059.4 (MANE Select); coding-DNA position 7082, A replaced by G.
Protein change: p.His2361Arg; replaces histidine 2361 with arginine.
Molecular consequence: missense variant.
Genome position (GRCh38, 1-based): chr13:32,354,935, A>G. VCF-style: chr13-32354935-A-G. GRCh37 (hg19) VCF-style: chr13-32929072-A-G.
Other names: short protein forms H2361R.
Identifiers: ClinVar variation 418574 (VCV000418574.17), dbSNP rs876659579, ClinGen allele CA16619757.
Genomic context (GRCh38, chr13:32,354,935, plus strand): 5'-GTCAAGAGATACAGAATCCAAATTTTACCGCACCTGGTCAAGAATTTCTGTCTAAATCTC[A>G]TTTGTATGAACATCTGACTTTGGAAAAATCTTCAAGCAATTTAGCAGTTTCAGGACATCC-3'
Protein context (NP_000050.3, residues 2351-2371): APGQEFLSKS[His2361Arg]LYEHLTLEKS